The following is an entry in ClinVar:

ClinVar aggregate classification (germline): Uncertain significance. Review status: reviewed by expert panel (3 of 4 stars). 4 submissions from 4 submitters: Uncertain significance (1). 3 of the submissions do not count toward it. Last evaluated 2025-09-29.

Conditions:
Inborn genetic diseases. Identifiers: MedGen C0950123, MeSH D030342.
AIPL1-related retinopathy. Also called: AIPL1 retinopathy. Identifiers: MedGen CN305590, MONDO:0100438.
Leber congenital amaurosis 4 (LCA4). Identifiers: MedGen C1858386, MONDO:0011458, OMIM 604393.

Allele frequency attached by ClinVar (database versions not stated): gnomAD exomes 0.00001; ExAC 0.00002; gnomAD 0.00006; ESP Exome Variant Server 0.00008; TOPMed 0.00008; 1000 Genomes Project 0.00020; 1000 Genomes Project 30x 0.00031.

Submissions (4):

ClinGen Leber Congenital Amaurosis/early Onset Retinal Dystrophy Variant Curation Expert Panel, ClinGen
Classification: Uncertain significance for AIPL1-related retinopathy. Last evaluated: 2025-09-29. Review status: reviewed by expert panel. Criteria: ClinGen LCAeoRD ACMG Specifications AIPL1 V1.0.0. Collection method: curation. Allele origin: germline. Inheritance: Autosomal recessive inheritance.
Comment: NM_014336.5(AIPL1):c.868G>C (p.Val290Leu) is a missense variant predicted to replace valine with leucine at amino acid p.290. This variant is present in gnomAD v.4.1.0 at a total allele frequency of 0.00001306, with 21 alleles / 1,607,702 total alleles, which is lower than the ClinGen LCA/eoRD VCEP PM2_Supporting threshold of <0.0004 (PM2_Supporting). The computational predictor REVEL gives a score of 0.712, which is above the ClinGen LCA/eoRD VCEP threshold of ≥0.644 and predicts a damaging effect on AIPL1 protein function (PP3). The splicing impact predictor SpliceAI gives a score of 0.01 for acceptor gain, which is below the ClinGen LCA/eoRD VCEP recommended threshold of ≥0.2 and does not strongly predict an impact on splicing. No published probands harboring the variant have been identified. In summary, this variant meets the criteria to be classified as a Variant of Uncertain Significance for AIPL1-related retinopathy based on the ACMG/AMP criteria applied, as specified by the ClinGen LCA/eoRD VCEP: PM2_Supporting and PP3. (VCEP specifications version 1.0.0; date of approval 09/24/2025).

Ambry Genetics
Classification: Uncertain significance for Inborn genetic diseases. Last evaluated: 2025-01-01. Review status: criteria provided, single submitter. Criteria: Ambry Variant Classification Scheme 2023. Collection method: clinical testing. Allele origin: germline. Not counted in ClinVar's aggregate classification.

Labcorp Genetics (formerly Invitae), Labcorp
Classification: Uncertain significance for Leber congenital amaurosis 4. Last evaluated: 2022-05-12. Review status: criteria provided, single submitter. Criteria: Invitae Variant Classification Sherloc (09022015). Collection method: clinical testing. Allele origin: germline. Not counted in ClinVar's aggregate classification.
Comment: This sequence change replaces valine, which is neutral and non-polar, with leucine, which is neutral and non-polar, at codon 290 of the AIPL1 protein (p.Val290Leu). This variant is present in population databases (rs375624646, gnomAD 0.03%). This variant has not been reported in the literature in individuals affected with AIPL1-related conditions. Algorithms developed to predict the effect of missense changes on protein structure and function are either unavailable or do not agree on the potential impact of this missense change (SIFT: "Tolerated"; PolyPhen-2: "Possibly Damaging"; Align-GVGD: "Class C0"). In summary, the available evidence is currently insufficient to determine the role of this variant in disease. Therefore, it has been classified as a Variant of Uncertain Significance.

Blueprint Genetics
Classification: Uncertain significance. Last evaluated: 2022-02-21. Review status: criteria provided, single submitter. Criteria: ACMG Guidelines, 2015. Collection method: clinical testing. Allele origin: germline. Not counted in ClinVar's aggregate classification.

NM_014336.5(AIPL1):c.868G>C (p.Val290Leu)

Gene: AIPL1 (AIP like 1 HSP90 co-chaperone; minus strand). Cytogenetic location: 17p13.2.
Variant type: single nucleotide variant.
Coding change: c.868G>C on transcript NM_014336.5 (MANE Select); coding-DNA position 868, G replaced by C.
Protein change: p.Val290Leu; replaces valine 290 with leucine.
Molecular consequence: missense variant. On other transcripts: 3 prime UTR variant (1).
Genome position (GRCh38, 1-based): chr17:6,425,747, C>G on the plus strand (G>C on the coding strand, the complement: AIPL1 is on the minus strand). VCF-style: chr17-6425747-C-G. GRCh37 (hg19) VCF-style: chr17-6329067-C-G.
Other names: NM_014336.5(AIPL1):c.868G>C; p.Val290Leu; c.679G>C, p.Val227Leu (NM_001033054.3); c.688G>C, p.Val230Leu (NM_001033055.3); c.832G>C, p.Val278Leu (NM_001285399.3); c.802G>C, p.Val268Leu (NM_001285400.3); c.796G>C, p.Val266Leu (NM_001285401.3); c.751G>C, p.Val251Leu (NM_001285402.2); and 2 more; short protein forms V268L, V290L, V227L, V230L, V251L, V266L, V278L.
Identifiers: ClinVar variation 2178827 (VCV002178827.4), dbSNP rs375624646, ClinGen allele CA8328364.